The following is an entry in ClinVar:

ClinVar aggregate classification (germline): Uncertain significance (1 of 4 stars; one submission).

Submission:

Ambry Genetics
Classification: Uncertain significance. Last evaluated: 2024-10-04. Review status: criteria provided, single submitter. Criteria: Ambry Variant Classification Scheme 2023. Collection method: clinical testing. Allele origin: germline.
Comment: The p.R1687T variant (also known as c.5060G>C), located in coding exon 4 of the ALPK2 gene, results from a G to C substitution at nucleotide position 5060. The arginine at codon 1687 is replaced by threonine, an amino acid with similar properties. This amino acid position is conserved. In addition, this alteration is predicted to be tolerated by in silico analysis. Since supporting evidence is limited at this time, the clinical significance of this alteration remains unclear.

NM_052947.4(ALPK2):c.5060G>C (p.Arg1687Thr)

Genes: ALPK2 (alpha kinase 2; minus strand), LOC130062577 (ATAC-STARR-seq lymphoblastoid active region 13389; plus strand). Cytogenetic location: 18q21.31.
Variant type: single nucleotide variant.
Coding change: c.5060G>C on transcript NM_052947.4 (MANE Select); coding-DNA position 5060, G replaced by C.
Protein change: p.Arg1687Thr; replaces arginine 1687 with threonine.
Molecular consequence: missense variant.
Genome position (GRCh38, 1-based): chr18:58,535,127, C>G on the plus strand (G>C on the coding strand, the complement: ALPK2 is on the minus strand). VCF-style: chr18-58535127-C-G. GRCh37 (hg19) VCF-style: chr18-56202359-C-G.
Other names: short protein forms R1687T.
Identifiers: ClinVar variation 1745108 (VCV001745108.3), dbSNP rs918101622, ClinGen allele CA402558483.